The following is an entry in ClinVar:

NM_015030.2(FRYL):c.4916A>G (p.Tyr1639Cys)

Gene: FRYL (FRY like transcription coactivator; minus strand). Cytogenetic location: 4p11.
Variant type: single nucleotide variant.
Coding change: c.4916A>G on transcript NM_015030.2 (MANE Select); coding-DNA position 4916, A replaced by G.
Protein change: p.Tyr1639Cys; replaces tyrosine 1639 with cysteine.
Molecular consequence: missense variant.
Genome position (GRCh38, 1-based): chr4:48,547,742, T>C on the plus strand (A>G on the coding strand, the complement: FRYL is on the minus strand). VCF-style: chr4-48547742-T-C. GRCh37 (hg19) VCF-style: chr4-48549759-T-C.
Other names: short protein forms Y1639C.
Identifiers: ClinVar variation 4669886 (VCV004669886.1).
Genomic context (GRCh38, chr4:48,547,742, plus strand): 5'-ATGTTACTATTGGGTCCCATTACTATTAATAAGTGCAGAAGCAGGCGTTTACAATGTTCA[T>C]ACACCTCAGGGTGGCAGTGGTCAAACCCTAAAAAGGATAGTAGAGAAACATTATCAATAA-3'
Protein context (NP_055845.1, residues 1629-1649): IGFDHCHPEV[Tyr1639Cys]EHCKRLLLHL

ClinVar aggregate classification (germline): Uncertain significance (1 of 4 stars; one submission).

gnomAD v4.1: 1 of 1,558,998 alleles (0.000064%); highest among the groups gnomAD compares: Non-Finnish European, 0.000087%; no homozygotes.

Submission:

Ambry Genetics
Classification: Uncertain significance. Last evaluated: 2025-11-05. Review status: criteria provided, single submitter. Criteria: Ambry Variant Classification Scheme 2023. Collection method: clinical testing. Allele origin: germline.
Comment: The c.4916A>G (p.Y1639C) alteration is located in exon 41 (coding exon 38) of the FRYL gene. This alteration results from a A to G substitution at nucleotide position 4916, causing the tyrosine (Y) at amino acid position 1639 to be replaced by a cysteine (C). Based on data from gnomAD, the G allele has an overall frequency of <0.001% (1/242172) total alleles studied. The highest observed frequency was 0.001% (1/110892) of European (non-Finnish) alleles. Based on insufficient or conflicting evidence, the clinical significance of this alteration remains unclear.